The following is an entry in ClinVar:

NM_013314.4(BLNK):c.740G>A (p.Arg247Gln)

Gene: BLNK (B cell linker; minus strand). Cytogenetic location: 10q24.1.
Variant type: single nucleotide variant.
Coding change: c.740G>A on transcript NM_013314.4 (MANE Select); coding-DNA position 740, G replaced by A.
Protein change: p.Arg247Gln; replaces arginine 247 with glutamine.
Molecular consequence: missense variant. On other transcripts: non-coding transcript variant (3).
Genome position (GRCh38, 1-based): chr10:96,209,844, C>T on the plus strand (G>A on the coding strand, the complement: BLNK is on the minus strand). VCF-style: chr10-96209844-C-T. GRCh37 (hg19) VCF-style: chr10-97969600-C-T.
Other names: c.671G>A, p.Arg224Gln (NM_001114094.2, NM_001258441.2); c.740G>A, p.Arg247Gln (NM_001258440.2); c.425G>A, p.Arg142Gln (NM_001258442.2); short protein forms R142Q, R247Q, R224Q.
Identifiers: ClinVar variation 2200685 (VCV002200685.4), dbSNP rs781793117, ClinGen allele CA5623345.

ClinVar aggregate classification (germline): Uncertain significance (1 of 4 stars; one submission).

Conditions:
Agammaglobulinemia 4, autosomal recessive (AGM4). Also called: AGAMMAGLOBULINEMIA, AUTOSOMAL RECESSIVE, DUE TO BLNK DEFECT; B cell linker protein deficiency. Identifiers: MedGen C3150752, MONDO:0013289, OMIM 613502.

Allele frequency attached by ClinVar (database versions not stated): ExAC 0.00001; gnomAD 0.00001; gnomAD exomes 0.00001; TOPMed 0.00001.
gnomAD v4.1: 15 of 1,614,094 alleles (0.00093%); highest among the groups gnomAD compares: Non-Finnish European, 0.00085%; no homozygotes.

Submissions (2):

Labcorp Genetics (formerly Invitae), Labcorp
Classification: Uncertain significance for Agammaglobulinemia 4, autosomal recessive. Last evaluated: 2025-01-27. Review status: criteria provided, single submitter. Criteria: Invitae Variant Classification Sherloc (09022015). Collection method: clinical testing. Allele origin: germline.
Comment: This sequence change replaces arginine, which is basic and polar, with glutamine, which is neutral and polar, at codon 247 of the BLNK protein (p.Arg247Gln). This variant is present in population databases (rs781793117, gnomAD 0.03%). This variant has not been reported in the literature in individuals affected with BLNK-related conditions. ClinVar contains an entry for this variant (Variation ID: 2200685). Invitae Evidence Modeling of protein sequence and biophysical properties (such as structural, functional, and spatial information, amino acid conservation, physicochemical variation, residue mobility, and thermodynamic stability) indicates that this missense variant is not expected to disrupt BLNK protein function with a negative predictive value of 80%. In summary, the available evidence is currently insufficient to determine the role of this variant in disease. Therefore, it has been classified as a Variant of Uncertain Significance.

Dr. Peter K. Rogan Lab, Western University
No classification provided (evidence only). Condition: Nonpapillary renal cell carcinoma. Review status: no classification provided. Collection method: in vitro. Allele origin: not applicable. Functional consequence: retained intron. Not counted in ClinVar's aggregate classification.